The following is an entry in ClinVar:

NM_182961.4(SYNE1):c.26004T>C (p.Asp8668=)

Gene: SYNE1 (spectrin repeat containing nuclear envelope protein 1; minus strand). Cytogenetic location: 6q25.2.
Variant type: single nucleotide variant.
Coding change: c.26004T>C on transcript NM_182961.4 (MANE Select); coding-DNA position 26004, T replaced by C.
Protein change: p.Asp8668=; no amino-acid change (aspartic acid 8668 retained).
Molecular consequence: synonymous variant.
Genome position (GRCh38, 1-based): chr6:152,132,212, A>G on the plus strand (T>C on the coding strand, the complement: SYNE1 is on the minus strand). VCF-style: chr6-152132212-A-G. GRCh37 (hg19) VCF-style: chr6-152453347-A-G.
Other names: c.2610T>C, p.Asp870= (NM_001347701.2); c.2538T>C, p.Asp846= (NM_001347702.2); c.25860T>C, p.Asp8620= (NM_033071.5).
Identifiers: ClinVar variation 355807 (VCV000355807.5), dbSNP rs746159592, ClinGen allele CA4052690.

ClinVar aggregate classification (germline): Conflicting classifications of pathogenicity. Review status: criteria provided, conflicting classifications (1 of 4 stars). 2 submissions from 1 submitter: Uncertain significance (1); Likely benign (1). Last evaluated 2018-01-12.

Conditions:
Emery-Dreifuss muscular dystrophy 4, autosomal dominant (EDMD4). Also called: EMERY-DREIFUSS MUSCULAR DYSTROPHY 4 WITH VARIABLE FEATURES. Identifiers: Orphanet 261, MedGen C2751807, MONDO:0013071, OMIM 612998.
Autosomal recessive ataxia, Beauce type. Also called: SYNE1 Deficiency; SYNE1-Related Autosomal Recessive Cerebellar Ataxia; Spinocerebellar ataxia, autosomal recessive 8; ATAXIA, RECESSIVE, OF BEAUCE. Identifiers: Orphanet 88644, MedGen C1853116, MONDO:0012549, OMIM 610743.

Allele frequency attached by ClinVar (database versions not stated): gnomAD exomes 0.00002 and 0.00004; ExAC 0.00005.
gnomAD v4.1: 25 of 1,614,010 alleles (0.0015%); highest among the groups gnomAD compares: South Asian, 0.026%; no homozygotes.

Submissions (2):

Illumina Laboratory Services, Illumina
Classification: Likely benign for Emery-Dreifuss muscular dystrophy 4, autosomal dominant. Last evaluated: 2018-01-12. Review status: criteria provided, single submitter. Criteria: ICSL Variant Classification Criteria 13 December 2019. Collection method: clinical testing. Allele origin: germline.
Comment: This variant was observed in the ICSL laboratory as part of a predisposition screen in an ostensibly healthy population. It had not been previously curated by ICSL or reported in the Human Gene Mutation Database (HGMD: prior to June 1st, 2018), and was therefore a candidate for classification through an automated scoring system. Utilizing variant allele frequency, disease prevalence and penetrance estimates, and inheritance mode, an automated score was calculated to assess if this variant is too frequent to cause the disease. Based on the score and internal cut-off values, a variant classified as likely benign is not then subjected to further curation. The score for this variant resulted in a classification of likely benign for this disease.

Illumina Laboratory Services, Illumina
Classification: Uncertain significance for Autosomal recessive ataxia, Beauce type. Last evaluated: 2018-01-12. Review status: criteria provided, single submitter. Criteria: ICSL Variant Classification Criteria 13 December 2019. Collection method: clinical testing. Allele origin: germline.